The following is an entry in ClinVar:

NM_002469.3(MYF6):c.588G>A (p.Gly196=)

Gene: MYF6 (myogenic factor 6; plus strand). Cytogenetic location: 12q21.31.
Variant type: single nucleotide variant.
Coding change: c.588G>A on transcript NM_002469.3 (MANE Select); coding-DNA position 588, G replaced by A.
Protein change: p.Gly196=; no amino-acid change (glycine 196 retained).
Molecular consequence: synonymous variant.
Genome position (GRCh38, 1-based): chr12:80,708,592, G>A. VCF-style: chr12-80708592-G-A. GRCh37 (hg19) VCF-style: chr12-81102371-G-A.
Identifiers: ClinVar variation 2643198 (VCV002643198.24), dbSNP rs1868414552, ClinGen allele CA480815877.

ClinVar aggregate classification (germline): Likely benign (1 of 4 stars; one submission).

gnomAD v4.1: 6 of 1,614,066 alleles (0.00037%); highest among the groups gnomAD compares: South Asian, 0.0033%; no homozygotes.

Submission:

CeGaT Center for Human Genetics Tuebingen
Classification: Likely benign. Last evaluated: 2022-07-01. Review status: criteria provided, single submitter. Criteria: CeGaT Center For Human Genetics Tuebingen Variant Classification Criteria Version 2. Collection method: clinical testing. Allele origin: germline. Affected: yes. Observed: 1 variant allele.
Comment: MYF6: BP4, BP7